The following is an entry in ClinVar:

ClinVar aggregate classification (germline): Uncertain significance (1 of 4 stars; one submission).

Submission:

Labcorp Genetics (formerly Invitae), Labcorp
Classification: Uncertain significance. Last evaluated: 2025-10-14. Review status: criteria provided, single submitter. Criteria: Invitae Variant Classification Sherloc (09022015). Collection method: clinical testing. Allele origin: germline.
Comment: This variant, c.1137_1154del, results in the deletion of 6 amino acid(s) of the CBX2 protein (p.Lys379_Thr384del), but otherwise preserves the integrity of the reading frame. This variant is not present in population databases (gnomAD no frequency). This variant has not been reported in the literature in individuals affected with CBX2-related conditions. Experimental studies and prediction algorithms are not available or were not evaluated, and the functional significance of this variant is currently unknown. In summary, the available evidence is currently insufficient to determine the role of this variant in disease. Therefore, it has been classified as a Variant of Uncertain Significance.

NM_005189.3(CBX2):c.1137_1154del (p.Lys379_Thr384del)

Gene: CBX2 (chromobox 2; plus strand). Cytogenetic location: 17q25.3.
Variant type: Deletion.
Coding change: c.1137_1154del on transcript NM_005189.3 (MANE Select); coding-DNA positions 1137 to 1154, 18 bases deleted (GGGTGTCCCGGCCACCAA).
Protein change: p.Lys379_Thr384del.
Molecular consequence: inframe deletion.
Genome position (GRCh38, 1-based): chr17:79,784,580-79,784,597, GGGTGTCCCGGCCACCAA deleted; deleting any 18 consecutive bases within chr17:79,784,572-79,784,597 gives the same sequence; the c. name uses the placement nearest the transcript's 3' end. VCF-style (leftmost placement, unchanged base first): chr17-79784571-CGCCACCAAGGGTGTCCCG-C. GRCh37 (hg19) VCF-style: chr17-77758370-CGCCACCAAGGGTGTCCCG-C.
Identifiers: ClinVar variation 4691999 (VCV004691999.1).
Genomic context (GRCh38, chr17:79,784,571, plus strand): 5'-GGACTTGCAGAGTGTCAAGAATGGCATGCCCGGGGTGGGTCTCCTTGCCCGCCACGCCAC[CGCCACCAAGGGTGTCCCG>C]GCCACCAACCCAGCCCCTGGGAAGGGCACTGGGAGTGGCCTCATTGGGGCCAGCGGGGCC-3'